The following is an entry in ClinVar:

ClinVar aggregate classification (germline): Uncertain significance (1 of 4 stars; one submission).

Conditions:
Hereditary pancreatitis (PCTT). Also called: Hereditary chronic pancreatitis; PRSS1-Related Hereditary Pancreatitis. Identifiers: Orphanet 676, MedGen C0238339, MONDO:0008185, OMIM 167800.

Submission:

Ambry Genetics
Classification: Uncertain significance for Hereditary pancreatitis. Last evaluated: 2025-03-31. Review status: criteria provided, single submitter. Criteria: Ambry Variant Classification Scheme 2023. Collection method: clinical testing. Allele origin: germline.
Comment: The p.N89D variant (also known as c.265A>G), located in coding exon 4 of the CTRC gene, results from an A to G substitution at nucleotide position 265. The asparagine at codon 89 is replaced by aspartic acid, an amino acid with highly similar properties. This amino acid position is conserved. In addition, this alteration is predicted to be tolerated by in silico analysis. Based on the available evidence, the clinical significance of this variant remains unclear.

NM_007272.3(CTRC):c.265A>G (p.Asn89Asp)

Gene: CTRC (chymotrypsin C; plus strand). Cytogenetic location: 1p36.21.
Variant type: single nucleotide variant.
Coding change: c.265A>G on transcript NM_007272.3 (MANE Select); coding-DNA position 265, A replaced by G.
Protein change: p.Asn89Asp; replaces asparagine 89 with aspartic acid.
Molecular consequence: missense variant.
Genome position (GRCh38, 1-based): chr1:15,442,481, A>G. VCF-style: chr1-15442481-A-G. GRCh37 (hg19) VCF-style: chr1-15768977-A-G.
Other names: short protein forms N89D.
Identifiers: ClinVar variation 4008116 (VCV004008116.1).